The following is an entry in ClinVar:

ClinVar aggregate classification (germline): Uncertain significance (1 of 4 stars; one submission).

Conditions:
Hereditary pheochromocytoma and paraganglioma. Also called: Hereditary pheochromocytoma-paraganglioma; Hereditary paragangliomas and pheochromocytomas; Hereditary Paraganglioma-Pheochromocytoma Syndromes. Identifiers: Orphanet 29072, MedGen C4274332, MONDO:0017366.

Submission:

Labcorp Genetics (formerly Invitae), Labcorp
Classification: Uncertain significance for Hereditary pheochromocytoma and paraganglioma. Last evaluated: 2019-12-27. Review status: criteria provided, single submitter. Criteria: Invitae Variant Classification Sherloc (09022015). Collection method: clinical testing. Allele origin: germline.
Comment: This sequence change replaces glycine with alanine at codon 73 of the TMEM127 protein (p.Gly73Ala). The glycine residue is highly conserved and there is a small physicochemical difference between glycine and alanine. In summary, the available evidence is currently insufficient to determine the role of this variant in disease. Therefore, it has been classified as a Variant of Uncertain Significance. Algorithms developed to predict the effect of missense changes on protein structure and function (SIFT, PolyPhen-2, Align-GVGD) all suggest that this variant is likely to be tolerated, but these predictions have not been confirmed by published functional studies and their clinical significance is uncertain. This variant has not been reported in the literature in individuals with TMEM127-related conditions. This variant is not present in population databases (ExAC no frequency).

NM_017849.4(TMEM127):c.218G>C (p.Gly73Ala)

Gene: TMEM127 (transmembrane protein 127; minus strand). Cytogenetic location: 2q11.2.
Variant type: single nucleotide variant.
Coding change: c.218G>C on transcript NM_017849.4 (MANE Select); coding-DNA position 218, G replaced by C.
Protein change: p.Gly73Ala; replaces glycine 73 with alanine.
Molecular consequence: missense variant.
Genome position (GRCh38, 1-based): chr2:96,265,164, C>G on the plus strand (G>C on the coding strand, the complement: TMEM127 is on the minus strand). VCF-style: chr2-96265164-C-G. GRCh37 (hg19) VCF-style: chr2-96930902-C-G.
Other names: c.218G>C, p.Gly73Ala (NM_001193304.3); short protein forms G73A.
Identifiers: ClinVar variation 844305 (VCV000844305.9), dbSNP rs1304152721, ClinGen allele CA347655875.